The following is an entry in ClinVar:

NM_004260.4(RECQL4):c.245T>A (p.Leu82Gln)

Gene: RECQL4 (RecQ like helicase 4; minus strand). Cytogenetic location: 8q24.3.
Variant type: single nucleotide variant.
Coding change: c.245T>A on transcript NM_004260.4 (MANE Select); coding-DNA position 245, T replaced by A.
Protein change: p.Leu82Gln; replaces leucine 82 with glutamine.
Molecular consequence: missense variant. On other transcripts: 5 prime UTR variant (17), non-coding transcript variant (3).
Genome position (GRCh38, 1-based): chr8:144,517,159, A>T on the plus strand (T>A on the coding strand, the complement: RECQL4 is on the minus strand). VCF-style: chr8-144517159-A-T. GRCh37 (hg19) VCF-style: chr8-145742543-A-T.
Other names: c.245T>A, p.Leu82Gln (NM_001413017.1, NM_001413018.1, NM_001413019.1 and 5 more transcripts); c.-476T>A (NM_001413021.1); c.-827T>A (NM_001413022.1, NM_001413023.1, NM_001413037.1 and 3 more transcripts); c.-724T>A (NM_001413024.1, NM_001413035.1); c.116T>A, p.Leu39Gln (NM_001413025.1); c.-889T>A (NM_001413027.1, NM_001413030.1, NM_001413031.1 and 1 more transcripts); c.-552T>A (NM_001413028.1); c.-786T>A (NM_001413032.1); and 2 more; short protein forms L82Q, L39Q.
Identifiers: ClinVar variation 4152437 (VCV004152437.1).
Genomic context (GRCh38, chr8:144,517,159, plus strand): 5'-ACCGAGCCCTGGCGGCTCCGCCCTGGCGTAGACTGTGGACTCTTGGTCGCAGCCCGATTC[A>T]GATGGGGCCCCCAGCAGCGGGGCTCTGGCGCCTGCAGGAGACAACAGGGGCACAGGCCAG-3'
Protein context (NP_004251.4, residues 72-92): APEPRCWGPH[Leu82Gln]NRAATKSPQS

ClinVar aggregate classification (germline): Uncertain significance (1 of 4 stars; one submission).

Conditions:
Inborn genetic diseases. Identifiers: MedGen C0950123, MeSH D030342.

Submission:

Ambry Genetics
Classification: Uncertain significance for Inborn genetic diseases. Last evaluated: 2025-09-01. Review status: criteria provided, single submitter. Criteria: Ambry Variant Classification Scheme 2023. Collection method: clinical testing. Allele origin: germline.
Comment: The p.L82Q variant (also known as c.245T>A), located in coding exon 4 of the RECQL4 gene, results from a T to A substitution at nucleotide position 245. The leucine at codon 82 is replaced by glutamine, an amino acid with dissimilar properties. This amino acid position is conserved. In addition, the in silico prediction for this alteration is inconclusive. Based on the available evidence, the clinical significance of this variant remains unclear.